The following is an entry in ClinVar:

ClinVar aggregate classification (germline): Uncertain significance. Review status: criteria provided, multiple submitters, no conflicts (2 of 4 stars). 2 submissions from 2 submitters: Uncertain significance (2). Last evaluated 2026-07-19.

Conditions:
Inborn genetic diseases. Identifiers: MedGen C0950123, MeSH D030342.

Submissions (2):

Ambry Genetics
Classification: Uncertain significance for Inborn genetic diseases. Last evaluated: 2026-07-19. Review status: criteria provided, single submitter. Criteria: Ambry Variant Classification Scheme 2023. Collection method: clinical testing. Allele origin: germline.

Labcorp Genetics (formerly Invitae), Labcorp
Classification: Uncertain significance. Last evaluated: 2025-09-10. Review status: criteria provided, single submitter. Criteria: Invitae Variant Classification Sherloc (09022015). Collection method: clinical testing. Allele origin: germline.
Comment: This sequence change replaces arginine, which is basic and polar, with histidine, which is basic and polar, at codon 561 of the KCNQ5 protein (p.Arg561His). This variant is not present in population databases (gnomAD no frequency). This variant has not been reported in the literature in individuals affected with KCNQ5-related conditions. Invitae Evidence Modeling of protein sequence and biophysical properties (such as structural, functional, and spatial information, amino acid conservation, physicochemical variation, residue mobility, and thermodynamic stability) indicates that this missense variant is expected to disrupt KCNQ5 protein function with a positive predictive value of 80%. In summary, the available evidence is currently insufficient to determine the role of this variant in disease. Therefore, it has been classified as a Variant of Uncertain Significance.

NM_019842.4(KCNQ5):c.1625G>A (p.Arg542His)

Gene: KCNQ5 (potassium voltage-gated channel subfamily Q member 5; plus strand). Cytogenetic location: 6q13.
Variant type: single nucleotide variant.
Coding change: c.1625G>A on transcript NM_019842.4 (MANE Select); coding-DNA position 1625, G replaced by A.
Protein change: p.Arg542His; replaces arginine 542 with histidine.
Molecular consequence: missense variant.
Genome position (GRCh38, 1-based): chr6:73,190,620, G>A. VCF-style: chr6-73190620-G-A. GRCh37 (hg19) VCF-style: chr6-73900343-G-A.
Other names: c.1598G>A, p.Arg533His (NM_001160130.2); c.1655G>A, p.Arg552His (NM_001160132.2); c.1682G>A, p.Arg561His (NM_001160133.2); c.1295G>A, p.Arg432His (NM_001160134.2); c.1682G>A (NM_001160133.1); short protein forms R552H, R561H, R432H, R533H, R542H.
Identifiers: ClinVar variation 4740256 (VCV004740256.2).